The following is an entry in ClinVar:

ClinVar aggregate classification (germline): Uncertain significance (1 of 4 stars; one submission).

Allele frequency attached by ClinVar (database versions not stated): gnomAD exomes below 0.00001; TOPMed below 0.00001.
gnomAD v4.1: 1 of 1,603,684 alleles (0.000062%); highest among the groups gnomAD compares: Non-Finnish European, 0.000085%; no homozygotes.

Submission:

GeneDx
Classification: Uncertain significance. Last evaluated: 2023-08-15. Review status: criteria provided, single submitter. Criteria: GeneDx Variant Classification Process June 2021. Collection method: clinical testing. Allele origin: germline. Affected: yes.
Comment: Not observed at significant frequency in large population cohorts (gnomAD); In silico analysis supports a deleterious effect on splicing; Has not been previously published as pathogenic or benign to our knowledge

NM_001267550.2(TTN):c.28463-11A>G

Gene: TTN (titin; minus strand). Cytogenetic location: 2q31.2.
Variant type: single nucleotide variant.
Coding change: c.28463-11A>G on transcript NM_001267550.2 (MANE Select); 11 bases into the intron before coding-DNA position 28463, A replaced by G.
Molecular consequence: intron variant.
Genome position (GRCh38, 1-based): chr2:178,709,867, T>C on the plus strand (A>G on the coding strand, the complement: TTN is on the minus strand). VCF-style: chr2-178709867-T-C. GRCh37 (hg19) VCF-style: chr2-179574594-T-C.
Other names: c.13282+28215A>G (NM_003319.4); c.13858+28215A>G (NM_133437.4); c.13657+28215A>G (NM_133432.3); c.24731-11A>G (NM_133378.4); c.27512-11A>G (NM_001256850.1).
Identifiers: ClinVar variation 3253299 (VCV003253299.1), dbSNP rs557527670.